The following is an entry in ClinVar:

ClinVar aggregate classification (germline): Pathogenic (0 of 4 stars; one submission).

Conditions:
Alagille syndrome due to a JAG1 point mutation. Also called: HEPATIC DUCTULAR HYPOPLASIA, SYNDROMATIC; Alagille Syndrome 1; JAG1-Related Alagille Syndrome. Identifiers: Orphanet 261619, Orphanet 52, MedGen C1956125, MONDO:0016862, OMIM 118450.

Submissions (2):

OMIM
Classification: Pathogenic for ALAGILLE SYNDROME 1. Last evaluated: 2001-02-15. Review status: no assertion criteria provided. Collection method: literature only. Allele origin: germline.

Gilbert/Spinner Lab, Children's Hospital of Philadelphia
No classification provided (evidence only). Condition: Alagille syndrome. Review status: no classification provided. Collection method: research. Allele origin: not applicable. Functional consequence: functionally_abnormal. Not counted in ClinVar's aggregate classification.
ClinVar note: "not provided" was previously submitted as the classification for the variant. However, the classification appeared to be based only on an observation of functional data so it was converted to no classification on 2025-07-30.

Literature cited by the submitters: PubMed 11157803 (cited by OMIM).

NM_000214.3(JAG1):c.110T>C (p.Leu37Ser)

Gene: JAG1 (jagged canonical Notch ligand 1; minus strand). Cytogenetic location: 20p12.2.
Variant type: single nucleotide variant.
Coding change: c.110T>C on transcript NM_000214.3 (MANE Select); coding-DNA position 110, T replaced by C.
Protein change: p.Leu37Ser; replaces leucine 37 with serine.
Molecular consequence: missense variant.
Genome position (GRCh38, 1-based): chr20:10,672,978, A>G on the plus strand (T>C on the coding strand, the complement: JAG1 is on the minus strand). VCF-style: chr20-10672978-A-G. GRCh37 (hg19) VCF-style: chr20-10653626-A-G.
Other names: c.110T>C, p.Leu37Ser (LRG_1191t1); short protein forms L37S.
Identifiers: ClinVar variation 7625 (VCV000007625.3), dbSNP rs121918352, ClinGen allele CA254224.